The following is an entry in ClinVar:

NM_001136193.2(FASTKD2):c.1813+14T>C

Gene: FASTKD2 (FAST kinase domains 2; plus strand). Cytogenetic location: 2q33.3.
Variant type: single nucleotide variant.
Coding change: c.1813+14T>C on transcript NM_001136193.2 (MANE Select); 14 bases into the intron after coding-DNA position 1813, T replaced by C.
Molecular consequence: intron variant.
Genome position (GRCh38, 1-based): chr2:206,788,169, T>C. VCF-style: chr2-206788169-T-C. GRCh37 (hg19) VCF-style: chr2-207652893-T-C.
Other names: c.1813+14T>C (NM_001136194.2, NM_014929.4).
Identifiers: ClinVar variation 382123 (VCV000382123.1), dbSNP rs1057521261, ClinGen allele CA16604027.

ClinVar aggregate classification (germline): Likely benign (1 of 4 stars; one submission).

Allele frequency attached by ClinVar (database versions not stated): gnomAD exomes 0.00001 and 0.00002.
gnomAD v4.1: 13 of 1,507,884 alleles (0.00086%); highest among the groups gnomAD compares: South Asian, 0.014%; no homozygotes.

Submission:

GeneDx
Classification: Likely benign. Last evaluated: 2015-12-10. Review status: criteria provided, single submitter. Criteria: GeneDx Variant Classification (06012015). Collection method: clinical testing. Allele origin: germline. Affected: yes.
Comment: This variant is considered likely benign or benign based on one or more of the following criteria: it is a conservative change, it occurs at a poorly conserved position in the protein, it is predicted to be benign by multiple in silico algorithms, and/or has population frequency not consistent with disease.